The following is an entry in ClinVar:

ClinVar aggregate classification (germline): not provided (0 of 4 stars; one submission).

Allele frequency attached by ClinVar (database versions not stated): gnomAD exomes 0.00023; gnomAD 0.00026; TOPMed 0.00034; 1000 Genomes Project 30x 0.00016; 1000 Genomes Project 0.00020.
gnomAD v4.1: 113 of 1,367,034 alleles (0.0083%); highest among the groups gnomAD compares: Admixed American, 0.11%; no homozygotes.

Submission:

ITMI
No classification provided. Condition: AllHighlyPenetrant. Last evaluated: 2013-09-19. Review status: no classification provided. Collection method: reference population. Allele origin: germline.
Comment: Please see associated publication for description of ethnicities

Literature cited by the submitters: PubMed 24728327.

NM_003820.4(TNFRSF14):c.305-654A>G

Gene: TNFRSF14 (TNF receptor superfamily member 14; plus strand). Cytogenetic location: 1p36.32.
Variant type: single nucleotide variant.
Coding change: c.305-654A>G on transcript NM_003820.4 (MANE Select); 654 bases into the intron before coding-DNA position 305, A replaced by G.
Molecular consequence: intron variant.
Genome position (GRCh38, 1-based): chr1:2,559,169, A>G. VCF-style: chr1-2559169-A-G. GRCh37 (hg19) VCF-style: chr1-2490608-A-G.
Other names: c.305-654A>G (NM_001297605.2).
Identifiers: ClinVar variation 133398 (VCV000133398.1), dbSNP rs565961218, ClinGen allele CA156490.